The following is an entry in ClinVar:

ClinVar aggregate classification (germline): Uncertain significance. Review status: criteria provided, multiple submitters, no conflicts (2 of 4 stars). 2 submissions from 2 submitters: Uncertain significance (2). Last evaluated 2024-05-24.

Conditions:
Inborn genetic diseases. Identifiers: MedGen C0950123, MeSH D030342.

gnomAD v4.1: 11 of 1,611,630 alleles (0.00068%); highest among the groups gnomAD compares: East Asian, 0.016%; no homozygotes.

Submissions (2):

Ambry Genetics
Classification: Uncertain significance for Inborn genetic diseases. Last evaluated: 2024-05-24. Review status: criteria provided, single submitter. Criteria: Ambry Variant Classification Scheme 2023. Collection method: clinical testing. Allele origin: germline.

Labcorp Genetics (formerly Invitae), Labcorp
Classification: Uncertain significance. Last evaluated: 2022-02-03. Review status: criteria provided, single submitter. Criteria: Invitae Variant Classification Sherloc (09022015). Collection method: clinical testing. Allele origin: germline.
Comment: This sequence change replaces arginine, which is basic and polar, with glycine, which is neutral and non-polar, at codon 1142 of the INPPL1 protein (p.Arg1142Gly). This variant is present in population databases (rs374001069, gnomAD 0.06%). In summary, the available evidence is currently insufficient to determine the role of this variant in disease. Therefore, it has been classified as a Variant of Uncertain Significance. Algorithms developed to predict the effect of sequence changes on RNA splicing suggest that this variant may create or strengthen a splice site. Algorithms developed to predict the effect of missense changes on protein structure and function are either unavailable or do not agree on the potential impact of this missense change (SIFT: "Deleterious"; PolyPhen-2: "Benign"; Align-GVGD: "Class C0"). This variant has not been reported in the literature in individuals affected with INPPL1-related conditions.

NM_001567.4(INPPL1):c.3424C>G (p.Arg1142Gly)

Gene: INPPL1 (inositol polyphosphate phosphatase like 1; plus strand). Cytogenetic location: 11q13.4.
Variant type: single nucleotide variant.
Coding change: c.3424C>G on transcript NM_001567.4 (MANE Select); coding-DNA position 3424, C replaced by G.
Protein change: p.Arg1142Gly; replaces arginine 1142 with glycine.
Molecular consequence: missense variant.
Genome position (GRCh38, 1-based): chr11:72,237,668, C>G. VCF-style: chr11-72237668-C-G. GRCh37 (hg19) VCF-style: chr11-71948712-C-G.
Other names: c.3424C>G (NM_001567.3); short protein forms R1142G.
Identifiers: ClinVar variation 2045078 (VCV002045078.3), dbSNP rs374001069, ClinGen allele CA6170628.